The following is an entry in ClinVar:

NM_001130823.3(DNMT1):c.737G>A (p.Arg246His)

Gene: DNMT1 (DNA methyltransferase 1; minus strand). Cytogenetic location: 19p13.2.
Variant type: single nucleotide variant.
Coding change: c.737G>A on transcript NM_001130823.3 (MANE Select); coding-DNA position 737, G replaced by A.
Protein change: p.Arg246His; replaces arginine 246 with histidine.
Molecular consequence: missense variant.
Genome position (GRCh38, 1-based): chr19:10,173,121, C>T on the plus strand (G>A on the coding strand, the complement: DNMT1 is on the minus strand). VCF-style: chr19-10173121-C-T. GRCh37 (hg19) VCF-style: chr19-10283797-C-T.
Other names: c.737G>A (LRG_362t1); c.689G>A, p.Arg230His (NM_001318730.2, NM_001379.4); c.374G>A, p.Arg125His (NM_001318731.2); short protein forms R246H, R125H, R230H.
Identifiers: ClinVar variation 539601 (VCV000539601.13), dbSNP rs771381056, ClinGen allele CA9188622.
Genomic context (GRCh38, chr19:10,173,121, plus strand): 5'-TAACAAACTTAGAGGTGATAGAGCTTTACTTTTTCATCTCTTTCTTCTTCCTTTTCAGTG[C>T]GCGTTCCTGATTTTGCTCTTTCAGGTTCTTCTGCAGGAAGCGGTCTAGCAACTCTGTCAA-3'
Protein context (NP_001124295.1, residues 236-256): EEPERAKSGT[Arg246His]TEKEEERDEK

ClinVar aggregate classification (germline): Conflicting classifications of pathogenicity. Review status: criteria provided, conflicting classifications (1 of 4 stars). 2 submissions from 2 submitters: Uncertain significance (1); Likely benign (1). Last evaluated 2026-01-22.

Conditions:
Hereditary sensory neuropathy-deafness-dementia syndrome. Also called: Hereditary sensory neuropathy type IE; NEUROPATHY, HEREDITARY SENSORY, WITH HEARING LOSS AND DEMENTIA; Hereditary Sensory and Autonomic Neuropathy Type 1E (HSAN1E); HSN IE. Identifiers: Orphanet 456318, MedGen C3279885, MONDO:0013584, OMIM 614116.

Allele frequency attached by ClinVar (database versions not stated): TOPMed 0.00002; gnomAD 0.00004; gnomAD exomes 0.00004 and 0.00007; ExAC 0.00016.

Submissions (2):

Labcorp Genetics (formerly Invitae), Labcorp
Classification: Uncertain significance for Hereditary sensory neuropathy-deafness-dementia syndrome. Last evaluated: 2026-01-22. Review status: criteria provided, single submitter. Criteria: Invitae Variant Classification Sherloc (09022015). Collection method: clinical testing. Allele origin: germline.
Comment: This sequence change replaces arginine, which is basic and polar, with histidine, which is basic and polar, at codon 246 of the DNMT1 protein (p.Arg246His). This variant is present in population databases (rs771381056, gnomAD 0.01%), and has an allele count higher than expected for a pathogenic variant. This variant has not been reported in the literature in individuals affected with DNMT1-related conditions. ClinVar contains an entry for this variant (Variation ID: 539601). An algorithm developed to predict the effect of missense changes on protein structure and function outputs the following: PolyPhen-2: "Benign". The histidine amino acid residue is found in multiple mammalian species, which suggests that this missense change does not adversely affect protein function. In summary, the available evidence is currently insufficient to determine the role of this variant in disease. Therefore, it has been classified as a Variant of Uncertain Significance.

GeneDx
Classification: Likely benign. Last evaluated: 2020-03-03. Review status: criteria provided, single submitter. Criteria: GeneDx Variant Classification Process June 2021. Collection method: clinical testing. Allele origin: germline. Affected: yes.